The following is an entry in ClinVar:

NM_013275.6(ANKRD11):c.2743A>G (p.Lys915Glu)

Gene: ANKRD11 (ankyrin repeat domain 11; minus strand). Cytogenetic location: 16q24.3.
Variant type: single nucleotide variant.
Coding change: c.2743A>G on transcript NM_013275.6 (MANE Select); coding-DNA position 2743, A replaced by G.
Protein change: p.Lys915Glu; replaces lysine 915 with glutamic acid.
Molecular consequence: missense variant.
Genome position (GRCh38, 1-based): chr16:89,283,799, T>C on the plus strand (A>G on the coding strand, the complement: ANKRD11 is on the minus strand). VCF-style: chr16-89283799-T-C. GRCh37 (hg19) VCF-style: chr16-89350207-T-C.
Other names: c.2743A>G, p.Lys915Glu (NM_001256182.2, NM_001256183.2); short protein forms K915E.
Identifiers: ClinVar variation 2884535 (VCV002884535.3), dbSNP rs2544240087, ClinGen allele CA397161387.
Genomic context (GRCh38, chr16:89,283,799, plus strand): 5'-AAAGGTAGCCAGGGACACTTTTATGCTTTTCGGTCTGCTCTTTCCTCTTCTCAGAGTTTT[T>C]ATCCAAATAGTCCCTGTCCTTCTTTCGGAAGAAGGGCTCTCTGTAGTCTCGCTTCTCCCG-3'
Protein context (NP_037407.4, residues 905-925): FRKKDRDYLD[Lys915Glu]NSEKRKEQTE

ClinVar aggregate classification (germline): Uncertain significance (1 of 4 stars; one submission).

Conditions:
KBG syndrome (KBGS). Also called: ANKRD11-Related KBG Syndrome. Identifiers: Orphanet 2332, MedGen C0220687, MONDO:0007846, OMIM 148050.

Submission:

Labcorp Genetics (formerly Invitae), Labcorp
Classification: Uncertain significance for KBG syndrome. Last evaluated: 2023-06-20. Review status: criteria provided, single submitter. Criteria: Invitae Variant Classification Sherloc (09022015). Collection method: clinical testing. Allele origin: germline.
Comment: Advanced modeling of protein sequence and biophysical properties (such as structural, functional, and spatial information, amino acid conservation, physicochemical variation, residue mobility, and thermodynamic stability) performed at Invitae indicates that this missense variant is not expected to disrupt ANKRD11 protein function. In summary, the available evidence is currently insufficient to determine the role of this variant in disease. Therefore, it has been classified as a Variant of Uncertain Significance. This variant has not been reported in the literature in individuals affected with ANKRD11-related conditions. This variant is not present in population databases (gnomAD no frequency). This sequence change replaces lysine, which is basic and polar, with glutamic acid, which is acidic and polar, at codon 915 of the ANKRD11 protein (p.Lys915Glu).